The following is an entry in ClinVar:

NM_000092.5(COL4A4):c.3688G>C (p.Gly1230Arg)

Gene: COL4A4 (collagen type IV alpha 4 chain; minus strand). Cytogenetic location: 2q36.3.
Variant type: single nucleotide variant.
Coding change: c.3688G>C on transcript NM_000092.5 (MANE Select); coding-DNA position 3688, G replaced by C.
Protein change: p.Gly1230Arg; replaces glycine 1230 with arginine.
Molecular consequence: missense variant.
Genome position (GRCh38, 1-based): chr2:227,032,166, C>G on the plus strand (G>C on the coding strand, the complement: COL4A4 is on the minus strand). VCF-style: chr2-227032166-C-G. GRCh37 (hg19) VCF-style: chr2-227896882-C-G.
Other names: short protein forms G1230R.
Identifiers: ClinVar variation 3681920 (VCV003681920.3).

ClinVar aggregate classification (germline): Conflicting classifications of pathogenicity. Review status: criteria provided, conflicting classifications (1 of 4 stars). 3 submissions from 2 submitters: Likely pathogenic (2); Uncertain significance (1). Last evaluated 2025-01-06.

Conditions:
Hematuria, benign familial, 1 (BFH1). Also called: THIN MEMBRANE NEPHROPATHY. Identifiers: MedGen CN376803, MONDO:0007709, OMIM 141200.
Autosomal recessive Alport syndrome (ATS2). Also called: COL4A4 Alport Syndrome and Thin Basement Membrane Nephropathy; ALPORT SYNDROME 2, AUTOSOMAL RECESSIVE; Alport syndrome type 2; COL4A3-Related Nephropathy. Identifiers: Orphanet 63, Orphanet 88919, MedGen C4746745, MONDO:0008762, OMIM 203780.

Submissions (3):

Labcorp Genetics (formerly Invitae), Labcorp
Classification: Uncertain significance. Last evaluated: 2025-01-06. Review status: criteria provided, single submitter. Criteria: Invitae Variant Classification Sherloc (09022015). Collection method: clinical testing. Allele origin: germline.
Comment: This sequence change replaces glycine, which is neutral and non-polar, with arginine, which is basic and polar, at codon 1230 of the COL4A4 protein (p.Gly1230Arg). This variant is not present in population databases (gnomAD no frequency). This variant has not been reported in the literature in individuals affected with COL4A4-related conditions. Invitae Evidence Modeling of protein sequence and biophysical properties (such as structural, functional, and spatial information, amino acid conservation, physicochemical variation, residue mobility, and thermodynamic stability) indicates that this missense variant is expected to disrupt COL4A4 protein function with a positive predictive value of 95%. In summary, the available evidence is currently insufficient to determine the role of this variant in disease. Therefore, it has been classified as a Variant of Uncertain Significance.

Clinical Genetics Service, Universitary Hospital 12 de Octubre
Classification: Likely pathogenic for Autosomal recessive Alport syndrome. Review status: criteria provided, single submitter. Criteria: ACMG Guidelines, 2015. Collection method: clinical testing. Allele origin: maternal. Affected: yes.

Clinical Genetics Service, Universitary Hospital 12 de Octubre
Classification: Likely pathogenic for Hematuria, benign familial, 1. Review status: criteria provided, single submitter. Criteria: ACMG Guidelines, 2015. Collection method: clinical testing. Allele origin: germline. Affected: yes.